The following is an entry in ClinVar:

ClinVar aggregate classification (germline): Uncertain significance (1 of 4 stars; one submission).

Conditions:
Long QT syndrome (LQTS). Identifiers: MedGen C0023976, MeSH D008133, MONDO:0002442. Disease mechanism: loss of function. Inheritance: Various modes of inheritance.

gnomAD v4.1: 2 of 1,613,286 alleles (0.00012%); highest among the groups gnomAD compares: African/African-American, 0.0027%; no homozygotes.

Submission:

Labcorp Genetics (formerly Invitae), Labcorp
Classification: Uncertain significance for Long QT syndrome. Last evaluated: 2024-03-20. Review status: criteria provided, single submitter. Criteria: Invitae Variant Classification Sherloc (09022015). Collection method: clinical testing. Allele origin: germline.
Comment: This sequence change replaces lysine, which is basic and polar, with asparagine, which is neutral and polar, at codon 1047 of the AKAP9 protein (p.Lys1047Asn). This variant is not present in population databases (gnomAD no frequency). This variant has not been reported in the literature in individuals affected with AKAP9-related conditions. An algorithm developed to predict the effect of missense changes on protein structure and function (PolyPhen-2) suggests that this variant is likely to be tolerated. In summary, the available evidence is currently insufficient to determine the role of this variant in disease. Therefore, it has been classified as a Variant of Uncertain Significance.

NM_005751.5(AKAP9):c.3141A>C (p.Lys1047Asn)

Gene: AKAP9 (A-kinase anchoring protein 9; plus strand). Cytogenetic location: 7q21.2.
Variant type: single nucleotide variant.
Coding change: c.3141A>C on transcript NM_005751.5 (MANE Select); coding-DNA position 3141, A replaced by C.
Protein change: p.Lys1047Asn; replaces lysine 1047 with asparagine.
Molecular consequence: missense variant.
Genome position (GRCh38, 1-based): chr7:92,003,058, A>C. VCF-style: chr7-92003058-A-C. GRCh37 (hg19) VCF-style: chr7-91632372-A-C.
Other names: c.3141A>C, p.Lys1047Asn (NM_147185.3); short protein forms K1047N.
Identifiers: ClinVar variation 3606485 (VCV003606485.2).